The following is an entry in ClinVar:

NM_014874.4(MFN2):c.1424G>A (p.Gly475Asp)

Gene: MFN2 (mitofusin 2; plus strand). Cytogenetic location: 1p36.22.
Variant type: single nucleotide variant.
Coding change: c.1424G>A on transcript NM_014874.4 (MANE Select); coding-DNA position 1424, G replaced by A.
Protein change: p.Gly475Asp; replaces glycine 475 with aspartic acid.
Molecular consequence: missense variant.
Genome position (GRCh38, 1-based): chr1:12,004,856, G>A. VCF-style: chr1-12004856-G-A. GRCh37 (hg19) VCF-style: chr1-12064913-G-A.
Other names: c.1424G>A, p.Gly475Asp (NM_001127660.2); short protein forms G475D.
Identifiers: ClinVar variation 1406277 (VCV001406277.9), dbSNP rs774967287, ClinGen allele CA599120.

ClinVar aggregate classification (germline): Uncertain significance (1 of 4 stars; one submission).

Conditions:
Charcot-Marie-Tooth disease type 2. Also called: Charcot-Marie-Tooth type 2. Identifiers: Orphanet 64746, MedGen C0270914, MONDO:0018993.

Allele frequency attached by ClinVar (database versions not stated): ExAC 0.00001; gnomAD exomes 0.00001 and below 0.00001; TOPMed 0.00001.
gnomAD v4.1: 7 of 1,613,948 alleles (0.00043%); highest among the groups gnomAD compares: South Asian, 0.0033%; no homozygotes.

Submission:

Labcorp Genetics (formerly Invitae), Labcorp
Classification: Uncertain significance for Charcot-Marie-Tooth disease type 2. Last evaluated: 2023-01-16. Review status: criteria provided, single submitter. Criteria: Invitae Variant Classification Sherloc (09022015). Collection method: clinical testing. Allele origin: germline.
Comment: In summary, the available evidence is currently insufficient to determine the role of this variant in disease. Therefore, it has been classified as a Variant of Uncertain Significance. Advanced modeling of protein sequence and biophysical properties (such as structural, functional, and spatial information, amino acid conservation, physicochemical variation, residue mobility, and thermodynamic stability) performed at Invitae indicates that this missense variant is expected to disrupt MFN2 protein function. ClinVar contains an entry for this variant (Variation ID: 1406277). This variant has not been reported in the literature in individuals affected with MFN2-related conditions. This variant is present in population databases (rs774967287, gnomAD 0.007%). This sequence change replaces glycine, which is neutral and non-polar, with aspartic acid, which is acidic and polar, at codon 475 of the MFN2 protein (p.Gly475Asp).